The following is an entry in ClinVar:

ClinVar aggregate classification (germline): Uncertain significance. Review status: criteria provided, multiple submitters, no conflicts (2 of 4 stars). 2 submissions from 2 submitters: Uncertain significance (2). Last evaluated 2025-11-09.

Conditions:
Bethlem myopathy 1A. Also called: Bethlem myopathy 1; MYOPATHY, BENIGN CONGENITAL, WITH CONTRACTURES; Bethlem Muscular Dystrophy. Identifiers: Orphanet 610, MedGen CN029274, MONDO:0024530, OMIM 158810.

Allele frequency attached by ClinVar (database versions not stated): gnomAD 0.00002; TOPMed 0.00002; gnomAD exomes 0.00003 and 0.00004; ExAC 0.00005.
gnomAD v4.1: 50 of 1,613,862 alleles (0.0031%); highest among the groups gnomAD compares: Non-Finnish European, 0.0042%; no homozygotes.

Submissions (2):

Labcorp Genetics (formerly Invitae), Labcorp
Classification: Uncertain significance for Bethlem myopathy 1A. Last evaluated: 2025-11-09. Review status: criteria provided, single submitter. Criteria: Invitae Variant Classification Sherloc (09022015). Collection method: clinical testing. Allele origin: germline.
Comment: This sequence change replaces arginine, which is basic and polar, with glutamine, which is neutral and polar, at codon 2142 of the COL6A3 protein (p.Arg2142Gln). This variant is present in population databases (rs766968738, gnomAD 0.009%). This variant has not been reported in the literature in individuals affected with COL6A3-related conditions. ClinVar contains an entry for this variant (Variation ID: 282424). Invitae Evidence Modeling of protein sequence and biophysical properties (such as structural, functional, and spatial information, amino acid conservation, physicochemical variation, residue mobility, and thermodynamic stability) indicates that this missense variant is not expected to disrupt COL6A3 protein function with a negative predictive value of 80%. In summary, the available evidence is currently insufficient to determine the role of this variant in disease. Therefore, it has been classified as a Variant of Uncertain Significance.

Eurofins Ntd Llc (ga)
Classification: Uncertain significance. Last evaluated: 2015-08-21. Review status: criteria provided, single submitter. Criteria: EGL Classification Definitions 2015. Collection method: clinical testing. Allele origin: germline. Observed: 2 variant alleles, 2 heterozygotes.

NM_004369.4(COL6A3):c.6425G>A (p.Arg2142Gln)

Gene: COL6A3 (collagen type VI alpha 3 chain; minus strand). Cytogenetic location: 2q37.3.
Variant type: single nucleotide variant.
Coding change: c.6425G>A on transcript NM_004369.4 (MANE Select); coding-DNA position 6425, G replaced by A.
Protein change: p.Arg2142Gln; replaces arginine 2142 with glutamine.
Molecular consequence: missense variant.
Genome position (GRCh38, 1-based): chr2:237,358,567, C>T on the plus strand (G>A on the coding strand, the complement: COL6A3 is on the minus strand). VCF-style: chr2-237358567-C-T. GRCh37 (hg19) VCF-style: chr2-238267210-C-T.
Other names: c.4604G>A, p.Arg1535Gln (NM_057166.5); c.5807G>A, p.Arg1936Gln (NM_057167.4); short protein forms R2142Q, R1535Q, R1936Q.
Identifiers: ClinVar variation 282424 (VCV000282424.14), dbSNP rs766968738, ClinGen allele CA2188289.
Genomic context (GRCh38, chr2:237,358,567, plus strand): 5'-AAAGAAATCTTTACCGGGTCCCCTCGAATCCCAACATCTCCTCTTTCTCCTTTCTCTCCT[C>T]GAGGTCCTTTATCACCCTAAAGAAAAAGCACAAGTGGATGCTAAAAACTAGATGTTTCCA-3'
Protein context (NP_004360.2, residues 2132-2152): NPGRRGDKGP[Arg2142Gln]GEKGERGDVG